The following is an entry in ClinVar:

NM_003907.3(EIF2B5):c.1561A>G (p.Met521Val)

Gene: EIF2B5 (eukaryotic translation initiation factor 2B subunit epsilon; plus strand). Cytogenetic location: 3q27.1.
Variant type: single nucleotide variant.
Coding change: c.1561A>G on transcript NM_003907.3 (MANE Select); coding-DNA position 1561, A replaced by G.
Protein change: p.Met521Val; replaces methionine 521 with valine.
Molecular consequence: missense variant.
Genome position (GRCh38, 1-based): chr3:184,142,793, A>G. VCF-style: chr3-184142793-A-G. GRCh37 (hg19) VCF-style: chr3-183860581-A-G.
Other names: short protein forms M521V.
Identifiers: ClinVar variation 2228186 (VCV002228186.2), dbSNP rs746185518, ClinGen allele CA2726741.

ClinVar aggregate classification (germline): Uncertain significance (1 of 4 stars; one submission).

Conditions:
Inborn genetic diseases. Identifiers: MedGen C0950123, MeSH D030342.

Allele frequency attached by ClinVar (database versions not stated): TOPMed 0.00001; gnomAD exomes 0.00002; ExAC 0.00003.

Submission:

Ambry Genetics
Classification: Uncertain significance for Inborn genetic diseases. Last evaluated: 2020-12-02. Review status: criteria provided, single submitter. Criteria: Ambry Variant Classification Scheme 2023. Collection method: clinical testing. Allele origin: germline.
Comment: The c.1561A>G (p.M521V) alteration is located in exon 11 (coding exon 11) of the EIF2B5 gene. This alteration results from a A to G substitution at nucleotide position 1561, causing the methionine (M) at amino acid position 521 to be replaced by a valine (V). The p.M521V alteration is predicted to be tolerated by in silico analysis. Based on insufficient or conflicting evidence, the clinical significance of this alteration remains unclear.